The following is an entry in ClinVar:

ClinVar aggregate classification (germline): Pathogenic. Review status: reviewed by expert panel (3 of 4 stars). 12 submissions from 12 submitters: Pathogenic (1). 11 of the submissions do not count toward it. Last evaluated 2017-12-15.

Conditions:
BRCA1-related disorder. Also called: BRCA1-related condition.
Hereditary breast ovarian cancer syndrome. Also called: Breast and ovarian cancer; Hereditary breast and ovarian cancer; Hereditary breast and ovarian cancer syndrome; Hereditary breast and/or ovarian cancer syndrome; BRCA1- and BRCA2-Associated Hereditary Breast and Ovarian Cancer; Hereditary breast and ovarian cancer syndrome (HBOC). Identifiers: Orphanet 145, MedGen C0677776, MeSH D061325, MONDO:0003582. Disease mechanism: loss of function.
Breast-ovarian cancer, familial, susceptibility to, 1 (BROVCA1). Also called: BRCA1 Hereditary Breast and Ovarian Cancer; OVARIAN CANCER, SUSCEPTIBILITY TO. Identifiers: Orphanet 145, MedGen C2676676, MONDO:0011450, OMIM 604370. Disease mechanism: loss of function.
Hereditary cancer-predisposing syndrome. Also called: Tumor predisposition; Hereditary Cancer Syndrome; Neoplastic Syndromes, Hereditary; Hereditary neoplastic syndrome. Identifiers: Orphanet 140162, MedGen C0027672, MeSH D009386, MONDO:0015356.
Familial cancer of breast. Also called: BREAST CANCER, FAMILIAL; hereditary breast carcinoma; Hereditary breast cancer. Identifiers: Orphanet 227535, MedGen C0346153, MONDO:0016419, OMIM 114480. Disease mechanism: loss of function.

Submissions (12):

Evidence-based Network for the Interpretation of Germline Mutant Alleles (ENIGMA)
Classification: Pathogenic for Breast-ovarian cancer, familial, susceptibility to, 1. Last evaluated: 2017-12-15. Review status: reviewed by expert panel. Criteria: ENIGMA BRCA1/2 Classification Criteria (2017-06-29). Collection method: curation. Allele origin: germline. Study: ENIGMA.
Comment: Variant allele predicted to encode a truncated non-functional protein.

Labcorp Genetics (formerly Invitae), Labcorp
Classification: Pathogenic for Hereditary breast ovarian cancer syndrome. Last evaluated: 2025-11-02. Review status: criteria provided, single submitter. Criteria: Invitae Variant Classification Sherloc (09022015). Collection method: clinical testing. Allele origin: germline. Not counted in ClinVar's aggregate classification.
Comment: This sequence change creates a premature translational stop signal (p.Lys381Glufs*3) in the BRCA1 gene. It is expected to result in an absent or disrupted protein product. Loss-of-function variants in BRCA1 are known to be pathogenic (PMID: 20104584). This variant is not present in population databases (gnomAD no frequency). This premature translational stop signal has been observed in individual(s) with breast cancer and/or ovarian cancer (PMID: 27082205, 28664506, 29297111, 30825404). ClinVar contains an entry for this variant (Variation ID: 231732). For these reasons, this variant has been classified as Pathogenic.

Revvity Omics, Revvity
Classification: Pathogenic. Last evaluated: 2025-05-12. Review status: criteria provided, single submitter. Criteria: ACMG Guidelines, 2015. Collection method: clinical testing. Allele origin: germline. Not counted in ClinVar's aggregate classification.

Ambry Genetics
Classification: Pathogenic for Hereditary cancer-predisposing syndrome. Last evaluated: 2024-10-04. Review status: criteria provided, single submitter. Criteria: Ambry Variant Classification Scheme 2023. Collection method: clinical testing. Allele origin: germline. Not counted in ClinVar's aggregate classification.
Comment: The c.1140dupG pathogenic mutation, located in coding exon 9 of the BRCA1 gene, results from a duplication of G at nucleotide position 1140, causing a translational frameshift with a predicted alternate stop codon (p.K381Efs*3). This alteration has been reported as a recurrent mutation in a cohort of Middle Eastern high-risk breast cancer patients and has been proposed as a Middle Eastern founder mutation (Bu R et al. Int. J. Cancer 2016 Apr; Alhuqail AJ et al. Breast Cancer Res. Treat. 2018 Jan). This variant is considered to be rare based on population cohorts in the Genome Aggregation Database (gnomAD). In addition to the clinical data presented in the literature, this alteration is expected to result in loss of function by premature protein truncation or nonsense-mediated mRNA decay. As such, this alteration is interpreted as a disease-causing mutation.

GeneDx
Classification: Pathogenic. Last evaluated: 2024-06-23. Review status: criteria provided, single submitter. Criteria: GeneDx Variant Classification Process June 2021. Collection method: clinical testing. Allele origin: germline. Affected: yes. Not counted in ClinVar's aggregate classification.
Comment: Frameshift variant predicted to result in protein truncation or nonsense mediated decay in a gene for which loss of function is a known mechanism of disease; Not observed at significant frequency in large population cohorts (gnomAD); Truncating variants in this gene are considered pathogenic by a well-established clinical consortium and/or database; Also known as 1259dup; This variant is associated with the following publications: (PMID: 30825404, 35216584, 35300142, 34930165, 30199306, 36385461, 28664506, 29297111, 27082205, 34980015, 34515413, 30322717, 31372034, 28888541, 31209999, 30352249, 35918668)

Rady Children's Institute for Genomic Medicine, Rady Children's Hospital San Diego
Classification: Pathogenic for BRCA1-related disorders. Last evaluated: 2024-03-19. Review status: criteria provided, single submitter. Criteria: ACMG Guidelines, 2015. Collection method: clinical testing. Allele origin: germline. Affected: yes. Not counted in ClinVar's aggregate classification.
Comment: Loss-of-function variation in BRCA1 is an established mechanism of disease (PMID: 20301425). This is a recurrent Pathogenic variant that has been previously reported as a heterozygous change in patients with breast and/or ovarian cancer and is a considered a founder mutation in the Middle Eastern population (PMID: 27082205, 28664506, 29297111, 30825404). The c.1140dup (p.Lys381GlufsTer3) variant is absent from the gnomAD v4 population database and thus is presumed to be rare. Based on the available evidence, c.1140dup (p.Lys381GlufsTer3) is classified as Pathogenic.

Institute for Genomic Medicine (IGM) Clinical Laboratory, Nationwide Children's Hospital
Classification: Pathogenic for Hereditary cancer-predisposing syndrome. Last evaluated: 2024-02-12. Review status: criteria provided, single submitter. Criteria: ACMG Guidelines, 2015. Collection method: clinical testing. Allele origin: germline. Not counted in ClinVar's aggregate classification.
Comment: This variant is predicted to result in loss of function through nonsense-mediated decay of the encoded transcript or premature truncation of the encoded protein in a gene in which loss of function is a known mechanism of disease (ACMG/AMP: PVS1; PMIDs:30199306, 30825404, 31372034, 34980015). This variant has been reported at an elevated frequency in affected individuals/in multiple affected individuals in the literature (ACMG/AMP: PS4; PMIDs:27082205, 28664506, 29297111, 30199306, 30825404, 31209999, 31372034, 34980015). This variant is absent from or present at an exceedingly low frequency in gnomAD, a large-scale control population database (ACMG/AMP: PM2).

Blueprint Genetics
Classification: Pathogenic for BRCA1-related disorders. Last evaluated: 2023-03-17. Review status: criteria provided, single submitter. Criteria: ACMG Guidelines, 2015. Collection method: clinical testing. Allele origin: germline. Affected: yes. Observed: 2 variant alleles. Not counted in ClinVar's aggregate classification.

GeneKor MSA
Classification: Pathogenic. Last evaluated: 2020-01-01. Review status: criteria provided, single submitter. Criteria: ACMG Guidelines, 2015. Collection method: clinical testing. Allele origin: germline. Not counted in ClinVar's aggregate classification.
Comment: This sequence change inserts 1 nucleotide in exon 10 of the BRCA1 mRNA (c.1140dupG), causing a frameshift at codon 381. This creates a premature translational stop signal 3 amino acid residues later p.(Lys381Glufs*3) and is expected to result in an absent or disrupted protein product. The mutation database ClinVar contains entries for this variant (Variation ID: 231732).

KCCC/NGS Laboratory, Kuwait Cancer Control Center
Classification: Pathogenic for Breast-ovarian cancer, familial, susceptibility to, 1. Last evaluated: 2023-05-05. Review status: no assertion criteria provided. Collection method: clinical testing. Allele origin: germline. Affected: yes. Not counted in ClinVar's aggregate classification.
Comment: It is classified as pathogenic in ClinVar. This mutation creates stop codon 3 codons downstream.

Clinical Laboratory Sciences Program (CLSP), King Saud bin Abdulaziz University for Health Sciences (KSAU-HS)
Classification: Pathogenic for Breast-ovarian cancer, familial, susceptibility to, 1. Last evaluated: 2023-04-01. Review status: no assertion criteria provided. Collection method: clinical testing. Allele origin: germline. Affected: yes. Not counted in ClinVar's aggregate classification.

Bioscientia Institut fuer Medizinische Diagnostik GmbH, Sonic Healthcare
Classification: Likely pathogenic for Familial cancer of breast. Review status: no assertion criteria provided. Collection method: clinical testing. Allele origin: germline. Affected: yes. Not counted in ClinVar's aggregate classification.

Literature cited by the submitters: PubMed 20104584 (cited by Labcorp Genetics (formerly Invitae), Labcorp and KCCC/NGS Laboratory, Kuwait Cancer Control Center); PubMed 27082205 (cited by 3 submitters); PubMed 28664506 (cited by Labcorp Genetics (formerly Invitae), Labcorp and Institute for Genomic Medicine (IGM) Clinical Laboratory, Nationwide Children's Hospital); PubMed 29297111 (cited by Labcorp Genetics (formerly Invitae), Labcorp and Institute for Genomic Medicine (IGM) Clinical Laboratory, Nationwide Children's Hospital); PubMed 30825404 (cited by Labcorp Genetics (formerly Invitae), Labcorp and Institute for Genomic Medicine (IGM) Clinical Laboratory, Nationwide Children's Hospital); PubMed 30199306 (cited by Institute for Genomic Medicine (IGM) Clinical Laboratory, Nationwide Children's Hospital); PubMed 31372034 (cited by Institute for Genomic Medicine (IGM) Clinical Laboratory, Nationwide Children's Hospital); PubMed 34980015 (cited by Institute for Genomic Medicine (IGM) Clinical Laboratory, Nationwide Children's Hospital); PubMed 31209999 (cited by Institute for Genomic Medicine (IGM) Clinical Laboratory, Nationwide Children's Hospital).

NM_007294.4(BRCA1):c.1140dup (p.Lys381fs)

Gene: BRCA1 (BRCA1 DNA repair associated; minus strand). Cytogenetic location: 17q21.31.
Variant type: Duplication.
Coding change: c.1140dup on transcript NM_007294.4 (MANE Select); coding-DNA position 1140, one base duplicated (G; older notation c.1140dupG).
Protein change: p.Lys381fs; shifts the reading frame from lysine 381.
Molecular consequence: frameshift variant. On other transcripts: intron variant (137).
Genome position (GRCh38, 1-based): chr17:43,094,391, C duplicated on the plus strand (G on the coding strand, the reverse complement: BRCA1 is on the minus strand). VCF-style (leftmost placement, unchanged base first): chr17-43094390-T-TC. GRCh37 (hg19) VCF-style: chr17-41246407-T-TC.
Other names: c.1140dupG (NM_007294.3); c.1140_1141insG (NM_007300.3); c.1140dup (NM_007300.3); c.927dup, p.Lys310fs (NM_001407571.1, NM_001407853.1, NM_001407894.1 and 9 more transcripts); c.1140dup, p.Lys381fs (NM_001407581.1, NM_001407582.1, NM_001407583.1 and 30 more transcripts); c.1137dup, p.Lys380fs (NM_001407587.1, NM_001407590.1, NM_001407591.1 and 22 more transcripts); c.1131dup, p.Lys378fs (NM_001407646.1, NM_001407647.1); c.1017dup, p.Lys340fs (NM_001407648.1, NM_001407664.1, NM_001407665.1 and 19 more transcripts); and 43 more; short protein forms K334fs, K381fs, K254fs, K292fs, K310fs, K311fs, K355fs, K378fs.
Identifiers: ClinVar variation 231732 (VCV000231732.38), dbSNP rs876659327, ClinGen allele CA10580677.